The following is an entry in ClinVar:

NM_000264.5(PTCH1):c.745C>G (p.Leu249Val)

Gene: PTCH1 (patched 1; minus strand). Cytogenetic location: 9q22.32.
Variant type: single nucleotide variant.
Coding change: c.745C>G on transcript NM_000264.5 (MANE Select); coding-DNA position 745, C replaced by G.
Protein change: p.Leu249Val; replaces leucine 249 with valine.
Molecular consequence: missense variant. On other transcripts: non-coding transcript variant (1).
Genome position (GRCh38, 1-based): chr9:95,481,950, G>C on the plus strand (C>G on the coding strand, the complement: PTCH1 is on the minus strand). VCF-style: chr9-95481950-G-C. GRCh37 (hg19) VCF-style: chr9-98244232-G-C.
Other names: c.547C>G, p.Leu183Val (NM_001083602.3, NM_001354919.2); c.742C>G, p.Leu248Val (NM_001083603.3); c.292C>G, p.Leu98Val (NM_001083604.3, NM_001083605.3, NM_001083606.3 and 1 more transcripts); c.745C>G, p.Leu249Val (NM_001354918.2); short protein forms L183V, L248V, L98V, L249V.
Identifiers: ClinVar variation 3784625 (VCV003784625.1).

ClinVar aggregate classification (germline): Uncertain significance (1 of 4 stars; one submission).

Conditions:
Hereditary cancer-predisposing syndrome. Also called: Neoplastic Syndromes, Hereditary; Hereditary Cancer Syndrome; Tumor predisposition; Hereditary neoplastic syndrome. Identifiers: Orphanet 140162, MedGen C0027672, MeSH D009386, MONDO:0015356.

Submission:

Ambry Genetics
Classification: Uncertain significance for Hereditary cancer-predisposing syndrome. Last evaluated: 2025-01-05. Review status: criteria provided, single submitter. Criteria: Ambry Variant Classification Scheme 2023. Collection method: clinical testing. Allele origin: germline.
Comment: The p.L249V variant (also known as c.745C>G), located in coding exon 5 of the PTCH1 gene, results from a C to G substitution at nucleotide position 745. The leucine at codon 249 is replaced by valine, an amino acid with highly similar properties. This amino acid position is conserved. In addition, this alteration is predicted to be tolerated by in silico analysis. Based on the available evidence, the clinical significance of this variant remains unclear.